The following is an entry in ClinVar:

ClinVar aggregate classification (germline): Uncertain significance. Review status: criteria provided, multiple submitters, no conflicts (2 of 4 stars). 4 submissions from 4 submitters: Uncertain significance (4). Last evaluated 2026-02-23.

Conditions:
Atrial fibrillation, familial, 12 (ATFB12). Identifiers: MedGen C3279695, MONDO:0013545, OMIM 614050.
Hypertrichotic osteochondrodysplasia Cantu type. Also called: Cantú Syndrome; Cantu Syndrome. Identifiers: Orphanet 1517, MedGen C0795905, MONDO:0009406, OMIM 239850.
Intellectual disability and myopathy syndrome (IDMYS). Identifiers: MedGen C5676904, MONDO:0859224, OMIM 619719.
Dilated cardiomyopathy 1O (CMD1O). Also called: CARDIOMYOPATHY, DILATED, WITH VENTRICULAR TACHYCARDIA. Identifiers: Orphanet 154, MedGen C1837839, MONDO:0012062, OMIM 608569.

Allele frequency attached by ClinVar (database versions not stated): gnomAD exomes below 0.00001 and 0.00001; gnomAD 0.00001; TOPMed 0.00001.
gnomAD v4.1: 7 of 1,592,890 alleles (0.00044%); highest among the groups gnomAD compares: Non-Finnish European, 0.0006%; no homozygotes.

Submissions (4):

GeneDx
Classification: Uncertain significance. Last evaluated: 2026-02-23. Review status: criteria provided, single submitter. Criteria: GeneDx Variant Classification Process June 2021. Collection method: clinical testing. Allele origin: germline.
Comment: Not observed at significant frequency in large population cohorts (gnomAD); In silico analysis suggests that this missense variant does not alter protein structure/function; Has not been previously published as pathogenic or benign to our knowledge

Labcorp Genetics (formerly Invitae), Labcorp
Classification: Uncertain significance for Dilated cardiomyopathy 1O. Last evaluated: 2025-09-08. Review status: criteria provided, single submitter. Criteria: Invitae Variant Classification Sherloc (09022015). Collection method: clinical testing. Allele origin: germline.
Comment: This sequence change replaces proline, which is neutral and non-polar, with alanine, which is neutral and non-polar, at codon 739 of the ABCC9 protein (p.Pro739Ala). This variant is present in population databases (rs201223488, gnomAD 0.002%). This variant has not been reported in the literature in individuals affected with ABCC9-related conditions. ClinVar contains an entry for this variant (Variation ID: 191587). Invitae Evidence Modeling of protein sequence and biophysical properties (such as structural, functional, and spatial information, amino acid conservation, physicochemical variation, residue mobility, and thermodynamic stability) indicates that this missense variant is not expected to disrupt ABCC9 protein function with a negative predictive value of 95%. In summary, the available evidence is currently insufficient to determine the role of this variant in disease. Therefore, it has been classified as a Variant of Uncertain Significance.

Fulgent Genetics
Classification: Uncertain significance for Hypertrichotic osteochondrodysplasia Cantu type; Dilated cardiomyopathy 1O; Atrial fibrillation, familial, 12; Intellectual disability and myopathy syndrome. Last evaluated: 2021-09-01. Review status: criteria provided, single submitter. Criteria: ACMG Guidelines, 2015. Collection method: clinical testing. Allele origin: unknown.

Biesecker Lab/Clinical Genomics Section, National Institutes of Health
Classification: Uncertain significance. Last evaluated: 2013-06-24. Review status: criteria provided, single submitter. Criteria: Ng et al. (Circ Cardiovasc Genet. 2013). Collection method: research. Allele origin: unknown. Observed: 1 variant allele. Study: ClinSeq.
Comment: The study set was not selected for affection status in relation to any cancer. Pathogenicity categories were based on literature curation. See Pubmed ID:23861362 for details.

Medical sequencing

NM_020297.4(ABCC9):c.2215C>G (p.Pro739Ala)

Gene: ABCC9 (ATP binding cassette subfamily C member 9; minus strand). Cytogenetic location: 12p12.1.
Variant type: single nucleotide variant.
Coding change: c.2215C>G on transcript NM_020297.4 (MANE Select); coding-DNA position 2215, C replaced by G.
Protein change: p.Pro739Ala; replaces proline 739 with alanine.
Molecular consequence: missense variant.
Genome position (GRCh38, 1-based): chr12:21,864,461, G>C on the plus strand (C>G on the coding strand, the complement: ABCC9 is on the minus strand). VCF-style: chr12-21864461-G-C. GRCh37 (hg19) VCF-style: chr12-22017395-G-C.
Other names: c.2215C>G, p.Pro739Ala (NM_001377273.1, NM_005691.4); c.1351C>G, p.Pro451Ala (NM_001377274.1); c.2215C>G (NM_020297.2); short protein forms P739A, P451A.
Identifiers: ClinVar variation 191587 (VCV000191587.6), dbSNP rs201223488, ClinGen allele CA236993.
Genomic context (GRCh38, chr12:21,864,461, plus strand): 5'-TTATTCTTATTAAACTCAGGTTAAAATAGAAATAATACCTTCTGGTTGCTTCAAAAGAAG[G>C]CTCAGATTCATTTACACTGCAAGTATGGCAAACAATGTTCATTAATTATGAAGTAGAAAT-3'
Protein context (NP_064693.2, residues 729-749): VHWSNVNESE[Pro739Ala]SFEATRSRNR